The following is an entry in ClinVar:

ClinVar aggregate classification (germline): Uncertain significance (1 of 4 stars; one submission).

Submission:

Labcorp Genetics (formerly Invitae), Labcorp
Classification: Uncertain significance. Last evaluated: 2025-07-10. Review status: criteria provided, single submitter. Criteria: Invitae Variant Classification Sherloc (09022015). Collection method: clinical testing. Allele origin: germline.
Comment: This sequence change replaces tryptophan, which is neutral and slightly polar, with arginine, which is basic and polar, at codon 462 of the ITSN2 protein (p.Trp462Arg). This variant is not present in population databases (gnomAD no frequency). This variant has not been reported in the literature in individuals affected with ITSN2-related conditions. ClinVar contains an entry for this variant (Variation ID: 3702310). Experimental studies and prediction algorithms are not available or were not evaluated, and the functional significance of this variant is currently unknown. In summary, the available evidence is currently insufficient to determine the role of this variant in disease. Therefore, it has been classified as a Variant of Uncertain Significance.

NM_006277.3(ITSN2):c.1384T>C (p.Trp462Arg)

Gene: ITSN2 (intersectin 2; minus strand). Cytogenetic location: 2p23.3.
Variant type: single nucleotide variant.
Coding change: c.1384T>C on transcript NM_006277.3 (MANE Select); coding-DNA position 1384, T replaced by C.
Protein change: p.Trp462Arg; replaces tryptophan 462 with arginine.
Molecular consequence: missense variant.
Genome position (GRCh38, 1-based): chr2:24,298,775, A>G on the plus strand (T>C on the coding strand, the complement: ITSN2 is on the minus strand). VCF-style: chr2-24298775-A-G. GRCh37 (hg19) VCF-style: chr2-24521644-A-G.
Other names: c.1342T>C, p.Trp448Arg (NM_001348181.2, NM_001348184.2); c.1384T>C, p.Trp462Arg (NM_001348182.2, NM_001348183.2, NM_001348185.2 and 3 more transcripts); short protein forms W462R, W448R.
Identifiers: ClinVar variation 3702310 (VCV003702310.2).